The following is an entry in ClinVar:

NM_002473.6(MYH9):c.5592+11T>C

Gene: MYH9 (myosin heavy chain 9; minus strand). Cytogenetic location: 22q12.3.
Variant type: single nucleotide variant.
Coding change: c.5592+11T>C on transcript NM_002473.6 (MANE Select); 11 bases into the intron after coding-DNA position 5592, T replaced by C.
Molecular consequence: intron variant.
Genome position (GRCh38, 1-based): chr22:36,284,392, A>G on the plus strand (T>C on the coding strand, the complement: MYH9 is on the minus strand). VCF-style: chr22-36284392-A-G. GRCh37 (hg19) VCF-style: chr22-36680438-A-G.
Identifiers: ClinVar variation 227616 (VCV000227616.5), dbSNP rs753626685, ClinGen allele CA10209002.
Genomic context (GRCh38, chr22:36,284,392, plus strand): 5'-ACTGCCCTGCCTGTCACCCCATCTGCTGCCCAGCCCCGCTGCCCTTCTCACTGCCCCACC[A>G]GCGCCCACACCTGGTCCTTGTACTGCTCGGCGTTCCTCCGCTCGTCATCCACCTGCAGCA-3'

ClinVar aggregate classification (germline): Likely benign. Review status: criteria provided, multiple submitters, no conflicts (2 of 4 stars). 2 submissions from 2 submitters: Likely benign (2). Last evaluated 2020-12-14.

Allele frequency attached by ClinVar (database versions not stated): gnomAD exomes below 0.00001; ExAC 0.00001.

Submissions (2):

Blueprint Genetics
Classification: Likely benign. Last evaluated: 2020-12-14. Review status: criteria provided, single submitter. Criteria: ACMG Guidelines, 2015. Collection method: clinical testing. Allele origin: germline.

Laboratory for Molecular Medicine, Mass General Brigham Personalized Medicine
Classification: Likely benign. Last evaluated: 2015-07-14. Review status: criteria provided, single submitter. Criteria: LMM Criteria. Collection method: clinical testing. Allele origin: germline. Observed: 1 variant allele.
Comment: c.5592+11T>C in exon 39 of MYH9: This variant is not expected to have clinical s ignificance because it is not located within the splice consensus sequence. It has been identified in 1/66434 European chromosomes by the Exome Aggregation Con sortium (ExAC).